The following is an entry in ClinVar:

NM_005144.5(HR):c.2512C>T (p.Arg838Trp)

Gene: HR (HR lysine demethylase and nuclear receptor corepressor; minus strand). Cytogenetic location: 8p21.3.
Variant type: single nucleotide variant.
Coding change: c.2512C>T on transcript NM_005144.5 (MANE Select); coding-DNA position 2512, C replaced by T.
Protein change: p.Arg838Trp; replaces arginine 838 with tryptophan.
Molecular consequence: missense variant.
Genome position (GRCh38, 1-based): chr8:22,120,814, G>A on the plus strand (C>T on the coding strand, the complement: HR is on the minus strand). VCF-style: chr8-22120814-G-A. GRCh37 (hg19) VCF-style: chr8-21978327-G-A.
Other names: c.2512C>T, p.Arg838Trp (NM_018411.4); short protein forms R838W.
Identifiers: ClinVar variation 2398992 (VCV002398992.6), dbSNP rs779106694, ClinGen allele CA4662089.
Genomic context (GRCh38, chr8:22,120,814, plus strand): 5'-CACGCCGAGGGCAAGGCTGGGGCTCCTGCAGCCACAGCAAAGCCCCTGGGGGAGGCAGCC[G>A]GGGCCGCACTGGAGAGAGGGGCAGGCCCAGGCCCTTGCGCAGACCCGGGCCAGCTCGAAG-3'
Protein context (NP_005135.2, residues 828-848): LGLPLSPVRP[Arg838Trp]LPPPGALLWL

ClinVar aggregate classification (germline): Uncertain significance. Review status: criteria provided, multiple submitters, no conflicts (2 of 4 stars). 2 submissions from 2 submitters: Uncertain significance (2). Last evaluated 2025-03-26.

Conditions:
Inborn genetic diseases. Identifiers: MedGen C0950123, MeSH D030342.

Allele frequency attached by ClinVar (database versions not stated): gnomAD 0.00005; ExAC 0.00033; gnomAD exomes 0.00006; TOPMed 0.00007.
gnomAD v4.1: 87 of 1,546,746 alleles (0.0056%); highest among the groups gnomAD compares: South Asian, 0.019%; no homozygotes.

Submissions (2):

Ambry Genetics
Classification: Uncertain significance for Inborn genetic diseases. Last evaluated: 2025-03-26. Review status: criteria provided, single submitter. Criteria: Ambry Variant Classification Scheme 2023. Collection method: clinical testing. Allele origin: germline.

Labcorp Genetics (formerly Invitae), Labcorp
Classification: Uncertain significance. Last evaluated: 2025-03-07. Review status: criteria provided, single submitter. Criteria: Invitae Variant Classification Sherloc (09022015). Collection method: clinical testing. Allele origin: germline.
Comment: This sequence change replaces arginine, which is basic and polar, with tryptophan, which is neutral and slightly polar, at codon 838 of the HR protein (p.Arg838Trp). This variant is present in population databases (rs779106694, gnomAD 0.1%). This variant has not been reported in the literature in individuals affected with HR-related conditions. ClinVar contains an entry for this variant (Variation ID: 2398992). An algorithm developed to predict the effect of missense changes on protein structure and function (PolyPhen-2) suggests that this variant is likely to be disruptive. In summary, the available evidence is currently insufficient to determine the role of this variant in disease. Therefore, it has been classified as a Variant of Uncertain Significance.